The following is an entry in ClinVar:

NM_001868.4(CPA1):c.1056C>G (p.Ser352Arg)

Gene: CPA1 (carboxypeptidase A1; plus strand). Cytogenetic location: 7q32.2.
Variant type: single nucleotide variant.
Coding change: c.1056C>G on transcript NM_001868.4 (MANE Select); coding-DNA position 1056, C replaced by G.
Protein change: p.Ser352Arg; replaces serine 352 with arginine.
Molecular consequence: missense variant.
Genome position (GRCh38, 1-based): chr7:130,385,907, C>G. VCF-style: chr7-130385907-C-G. GRCh37 (hg19) VCF-style: chr7-130025748-C-G.
Other names: short protein forms S352R.
Identifiers: ClinVar variation 5034913 (VCV005034913.1).
Genomic context (GRCh38, chr7:130,385,907, plus strand): 5'-TTCCAAGGCTGCTGTGACAGCCCTGGCCTCTCTCTACGGGACCAAGTTCAACTATGGCAG[C>G]ATCATCAAGGCAATTTGTAAGTGGCCGTAGGGTCTCTCTTGATGGGCCTGCGAGGAACAT-3'
Protein context (NP_001859.1, residues 342-362): SLYGTKFNYG[Ser352Arg]IIKAIYQASG

ClinVar aggregate classification (germline): Uncertain significance (1 of 4 stars; one submission).

Conditions:
Hereditary pancreatitis (PCTT). Also called: Hereditary chronic pancreatitis; PRSS1-Related Hereditary Pancreatitis. Identifiers: Orphanet 676, MedGen C0238339, MONDO:0008185, OMIM 167800.

gnomAD v4.1: 1 of 1,614,024 alleles (0.000062%); highest among the groups gnomAD compares: South Asian, 0.0011%; no homozygotes.

Submission:

Ambry Genetics
Classification: Uncertain significance for Hereditary pancreatitis. Last evaluated: 2026-08-04. Review status: criteria provided, single submitter. Criteria: Ambry Variant Classification Scheme 2023. Collection method: clinical testing. Allele origin: germline.
Comment: The p.S352R variant (also known as c.1056C>G), located in coding exon 9 of the CPA1 gene, results from a C to G substitution at nucleotide position 1056. The serine at codon 352 is replaced by arginine, an amino acid with dissimilar properties. This amino acid position is conserved. In addition, the in silico prediction for this alteration is inconclusive. Based on the available evidence, the clinical significance of this variant remains unclear.